The following is an entry in ClinVar:

NM_005744.5(ARIH1):c.232G>A (p.Gly78Ser)

Gene: ARIH1 (ariadne RBR E3 ubiquitin protein ligase 1; plus strand). Cytogenetic location: 15q24.1.
Variant type: single nucleotide variant.
Coding change: c.232G>A on transcript NM_005744.5 (MANE Select); coding-DNA position 232, G replaced by A.
Protein change: p.Gly78Ser; replaces glycine 78 with serine.
Molecular consequence: missense variant.
Genome position (GRCh38, 1-based): chr15:72,474,871, G>A. VCF-style: chr15-72474871-G-A. GRCh37 (hg19) VCF-style: chr15-72767212-G-A.
Other names: short protein forms G78S.
Identifiers: ClinVar variation 2958558 (VCV002958558.3), dbSNP rs755947974, ClinGen allele CA7645446.

ClinVar aggregate classification (germline): Uncertain significance (1 of 4 stars; one submission).

Allele frequency attached by ClinVar (database versions not stated): gnomAD exomes below 0.00001; ExAC 0.00008.
gnomAD v4.1: 4 of 1,422,520 alleles (0.00028%); highest among the groups gnomAD compares: Middle Eastern, 0.019%; no homozygotes.

Submission:

Labcorp Genetics (formerly Invitae), Labcorp
Classification: Uncertain significance. Last evaluated: 2023-01-17. Review status: criteria provided, single submitter. Criteria: Invitae Variant Classification Sherloc (09022015). Collection method: clinical testing. Allele origin: germline.
Comment: In summary, the available evidence is currently insufficient to determine the role of this variant in disease. Therefore, it has been classified as a Variant of Uncertain Significance. Algorithms developed to predict the effect of missense changes on protein structure and function are either unavailable or do not agree on the potential impact of this missense change (SIFT: "Tolerated"; PolyPhen-2: "Not Available"; Align-GVGD: "Class C0"). This variant has not been reported in the literature in individuals affected with ARIH1-related conditions. The frequency data for this variant in the population databases is considered unreliable, as metrics indicate poor data quality at this position in the gnomAD database. This sequence change replaces glycine, which is neutral and non-polar, with serine, which is neutral and polar, at codon 78 of the ARIH1 protein (p.Gly78Ser).